The following is an entry in ClinVar:

NM_001458.5(FLNC):c.5335G>T (p.Glu1779Ter)

Genes: FLNC (filamin C; plus strand), FLNC-AS1 (FLNC antisense RNA 1; minus strand). Cytogenetic location: 7q32.1.
Variant type: single nucleotide variant.
Coding change: c.5335G>T on transcript NM_001458.5 (MANE Select); coding-DNA position 5335, G replaced by T.
Protein change: p.Glu1779Ter; replaces glutamic acid 1779 with a stop codon.
Molecular consequence: nonsense.
Genome position (GRCh38, 1-based): chr7:128,850,420, G>T. VCF-style: chr7-128850420-G-T. GRCh37 (hg19) VCF-style: chr7-128490474-G-T.
Other names: c.5236G>T, p.Glu1746Ter (NM_001127487.2); short protein forms E1779*, E1746*.
Identifiers: ClinVar variation 944329 (VCV000944329.8), dbSNP rs1808758208, ClinGen allele CA369205071.
Genomic context (GRCh38, chr7:128,850,420, plus strand): 5'-ACTGTTCCCTCTCACCTGCTGCAGGCCACAGAGGAGCCAGTGGTGCCTGTGGAGCCAATG[G>T]AGTCCATGCTGAGGCCCTTCAACCTGGTCATCCCCTTCGCGGTGCAGAAAGGGGAGCTCA-3'

ClinVar aggregate classification (germline): Pathogenic (1 of 4 stars; one submission).

Conditions:
Myofibrillar myopathy 5. Also called: Filaminopathy (type); FILAMINOPATHY, AUTOSOMAL DOMINANT. Identifiers: Orphanet 171445, MedGen C1836050, MONDO:0012289, OMIM 609524.
Distal myopathy with posterior leg and anterior hand involvement. Also called: WILLIAMS DISTAL MYOPATHY. Identifiers: Orphanet 63273, MedGen C3279722, MONDO:0013550, OMIM 614065.
Hypertrophic cardiomyopathy 26. Also called: Cardiomyopathy, familial hypertrophic, 26. Identifiers: Orphanet 75249, MedGen C4310749, MONDO:0014883, OMIM 617047.

Submission:

Labcorp Genetics (formerly Invitae), Labcorp
Classification: Pathogenic for Distal myopathy with posterior leg and anterior hand involvement; Myofibrillar myopathy 5; Hypertrophic cardiomyopathy 26. Last evaluated: 2024-02-24. Review status: criteria provided, single submitter. Criteria: Invitae Variant Classification Sherloc (09022015). Collection method: clinical testing. Allele origin: germline.
Comment: This sequence change creates a premature translational stop signal (p.Glu1779*) in the FLNC gene. It is expected to result in an absent or disrupted protein product. Loss-of-function variants in FLNC are known to be pathogenic (PMID: 27908349). This variant is not present in population databases (gnomAD no frequency). This variant has not been reported in the literature in individuals affected with FLNC-related conditions. ClinVar contains an entry for this variant (Variation ID: 944329). For these reasons, this variant has been classified as Pathogenic.

Literature cited by the submitters: PubMed 27908349.